The following is an entry in ClinVar:

ClinVar aggregate classification (germline): Uncertain significance (1 of 4 stars; one submission).

Submission:

Laboratory for Molecular Medicine, Mass General Brigham Personalized Medicine
Classification: Uncertain significance. Last evaluated: 2013-01-28. Review status: criteria provided, single submitter. Criteria: LMM Criteria. Collection method: clinical testing. Allele origin: germline. Observed: 1 variant allele.
Comment: The Glu15451Asp variant in TTN has not been reported in the literature nor previ ously identified by our laboratory. This variant has also not been identified in large and broad European American and African American populations by the NHLBI Exome Sequencing Project, though it may be c ommon in other populations. Computational analyses (biochemical amino acid prope rties, conservation, AlignGVGD, PolyPhen2, and SIFT) suggest that this variant m ay not impact the protein, though this information is not predictive enough to r ule out pathogenicity. Additional information is needed to fully assess the clin ical significance of this variant.

NM_001267550.2(TTN):c.54057A>C (p.Glu18019Asp)

Genes: TTN (titin; minus strand), TTN-AS1 (TTN antisense RNA 1; plus strand). Cytogenetic location: 2q31.2.
Variant type: single nucleotide variant.
Coding change: c.54057A>C on transcript NM_001267550.2 (MANE Select); coding-DNA position 54057, A replaced by C.
Protein change: p.Glu18019Asp; replaces glutamic acid 18019 with aspartic acid.
Molecular consequence: missense variant. On other transcripts: non-coding transcript variant (1).
Genome position (GRCh38, 1-based): chr2:178,605,120, T>G on the plus strand (A>C on the coding strand, the complement: TTN is on the minus strand). VCF-style: chr2-178605120-T-G. GRCh37 (hg19) VCF-style: chr2-179469847-T-G.
Other names: c.46353A>C, p.Glu15451Asp (NM_133378.4); c.49134A>C, p.Glu16378Asp (NM_001256850.1); c.26862A>C, p.Glu8954Asp (NM_003319.4); c.27237A>C, p.Glu9079Asp (NM_133432.3); c.27438A>C, p.Glu9146Asp (NM_133437.4); short protein forms E18019D, E15451D, E9146D, E16378D, E9079D, E8954D.
Identifiers: ClinVar variation 47079 (VCV000047079.5), dbSNP rs397517614, ClinGen allele CA139938.